The following is an entry in ClinVar:

ClinVar aggregate classification (germline): Uncertain significance (1 of 4 stars; one submission).

gnomAD v4.1: 2 of 1,571,240 alleles (0.00013%); highest among the groups gnomAD compares: Admixed American, 0.0019%; no homozygotes.

Submission:

GeneDx
Classification: Uncertain significance. Last evaluated: 2026-04-14. Review status: criteria provided, single submitter. Criteria: GeneDx Variant Classification Process June 2021. Collection method: clinical testing. Allele origin: germline.
Comment: Not observed at significant frequency in large population cohorts (gnomAD); In silico analysis suggests that this missense variant does not alter protein structure/function; Has not been previously published as pathogenic or benign to our knowledge

NM_016363.5(GP6):c.799A>G (p.Lys267Glu)

Gene: GP6 (glycoprotein VI platelet; minus strand). Cytogenetic location: 19q13.42.
Variant type: single nucleotide variant.
Coding change: c.799A>G on transcript NM_016363.5 (MANE Select); coding-DNA position 799, A replaced by G.
Protein change: p.Lys267Glu; replaces lysine 267 with glutamic acid.
Molecular consequence: missense variant.
Genome position (GRCh38, 1-based): chr19:55,015,142, T>C on the plus strand (A>G on the coding strand, the complement: GP6 is on the minus strand). VCF-style: chr19-55015142-T-C. GRCh37 (hg19) VCF-style: chr19-55526510-T-C.
Other names: c.803A>G, p.Gln268Arg (NM_001083899.2); c.745A>G, p.Lys249Glu (NM_001256017.2); short protein forms K249E, K267E, Q268R.
Identifiers: ClinVar variation 5037120 (VCV005037120.1).